The following is an entry in ClinVar:

NM_004947.5(DOCK3):c.1084C>T (p.Arg362Ter)

Gene: DOCK3 (dedicator of cytokinesis 3; plus strand). Cytogenetic location: 3p21.2.
Variant type: single nucleotide variant.
Coding change: c.1084C>T on transcript NM_004947.5 (MANE Select); coding-DNA position 1084, C replaced by T.
Protein change: p.Arg362Ter; replaces arginine 362 with a stop codon.
Molecular consequence: nonsense.
Genome position (GRCh38, 1-based): chr3:51,208,820, C>T. VCF-style: chr3-51208820-C-T. GRCh37 (hg19) VCF-style: chr3-51246251-C-T.
Other names: short protein forms R362*.
Identifiers: ClinVar variation 2628392 (VCV002628392.1), dbSNP rs2548199661, ClinGen allele CA353004474.

ClinVar aggregate classification (germline): Likely pathogenic (1 of 4 stars; one submission).

Conditions:
DOCK3-related disorder. Also called: DOCK3-related condition.

Submission:

PreventionGenetics, part of Exact Sciences
Classification: Likely pathogenic for DOCK3-related condition. Last evaluated: 2022-11-04. Review status: criteria provided, single submitter. Criteria: ACMG Guidelines, 2015. Collection method: clinical testing. Allele origin: germline.
Comment: The DOCK3 c.1084C>T variant is predicted to result in premature protein termination (p.Arg362*). To our knowledge, this variant has not been reported in the literature or in a large population database, indicating this variant is rare. Nonsense variants in DOCK3 are expected to be pathogenic, and therefore we interpret c.1084C>T (p.Arg362*) as likely pathogenic.